The following is an entry in ClinVar:

ClinVar aggregate classification (germline): Uncertain significance. Review status: criteria provided, multiple submitters, no conflicts (2 of 4 stars). 3 submissions from 3 submitters: Uncertain significance (3). Last evaluated 2026-04-28.

Conditions:
Inborn genetic diseases. Identifiers: MedGen C0950123, MeSH D030342.
Charcot-Marie-Tooth disease dominant intermediate B (CMTDIB). Also called: Charcot-Marie-Tooth disease dominant intermediate 1; CMT DI1; Charcot-Marie-Tooth disease dominant intermediate I; CHARCOT-MARIE-TOOTH NEUROPATHY, DOMINANT INTERMEDIATE B. Identifiers: Orphanet 100044, Orphanet 228179, MedGen C1847902, MONDO:0011674, OMIM 606482.

Allele frequency attached by ClinVar (database versions not stated): gnomAD exomes 0.00001; TOPMed below 0.00001.
gnomAD v4.1: 45 of 1,614,150 alleles (0.0028%); highest among the groups gnomAD compares: Non-Finnish European, 0.0038%; no homozygotes.

Submissions (3):

Ambry Genetics
Classification: Uncertain significance for Inborn genetic diseases. Last evaluated: 2026-04-28. Review status: criteria provided, single submitter. Criteria: Ambry Variant Classification Scheme 2023. Collection method: clinical testing. Allele origin: germline.

Labcorp Genetics (formerly Invitae), Labcorp
Classification: Uncertain significance for Charcot-Marie-Tooth disease dominant intermediate B. Last evaluated: 2025-08-26. Review status: criteria provided, single submitter. Criteria: Invitae Variant Classification Sherloc (09022015). Collection method: clinical testing. Allele origin: germline.
Comment: This sequence change replaces glutamine, which is neutral and polar, with arginine, which is basic and polar, at codon 441 of the DNM2 protein (p.Gln441Arg). This variant is present in population databases (no rsID available, gnomAD 0.003%). This variant has not been reported in the literature in individuals affected with DNM2-related conditions. ClinVar contains an entry for this variant (Variation ID: 641192). Invitae Evidence Modeling of protein sequence and biophysical properties (such as structural, functional, and spatial information, amino acid conservation, physicochemical variation, residue mobility, and thermodynamic stability) indicates that this missense variant is not expected to disrupt DNM2 protein function with a negative predictive value of 95%. In summary, the available evidence is currently insufficient to determine the role of this variant in disease. Therefore, it has been classified as a Variant of Uncertain Significance.

Revvity Omics, Revvity
Classification: Uncertain significance. Last evaluated: 2022-08-17. Review status: criteria provided, single submitter. Criteria: ACMG Guidelines, 2015. Collection method: clinical testing. Allele origin: germline.

NM_001005361.3(DNM2):c.1196+747A>G

Gene: DNM2 (dynamin 2; plus strand). Cytogenetic location: 19p13.2.
Variant type: single nucleotide variant.
Coding change: c.1196+747A>G on transcript NM_001005361.3 (MANE Select); 747 bases into the intron after coding-DNA position 1196, A replaced by G.
Molecular consequence: intron variant. On other transcripts: missense variant (3).
Genome position (GRCh38, 1-based): chr19:10,796,186, A>G. VCF-style: chr19-10796186-A-G. GRCh37 (hg19) VCF-style: chr19-10906862-A-G.
Other names: c.1322A>G, p.Gln441Arg (NM_001005360.3, NM_001190716.2, NM_004945.4); c.1196+747A>G (NM_001005362.3); short protein forms Q441R.
Identifiers: ClinVar variation 641192 (VCV000641192.12), dbSNP rs1280243348, ClinGen allele CA404049076.